The following is an entry in ClinVar:

ClinVar aggregate classification (germline): Uncertain significance. Review status: criteria provided, multiple submitters, no conflicts (2 of 4 stars). 2 submissions from 2 submitters: Uncertain significance (2). Last evaluated 2024-07-27.

Conditions:
Cowden syndrome 6 (CWS6). Identifiers: Orphanet 201, MedGen C3554519, MONDO:0014048, OMIM 615109.
Inborn genetic diseases. Identifiers: MedGen C0950123, MeSH D030342.

Allele frequency attached by ClinVar (database versions not stated): gnomAD exomes below 0.00001.
gnomAD v4.1: 2 of 1,613,696 alleles (0.00012%); highest among the groups gnomAD compares: Middle Eastern, 0.033%; no homozygotes.

Submissions (2):

Ambry Genetics
Classification: Uncertain significance for Inborn genetic diseases. Last evaluated: 2024-07-27. Review status: criteria provided, single submitter. Criteria: Ambry Variant Classification Scheme 2023. Collection method: clinical testing. Allele origin: germline.
Comment: The p.I257T variant (also known as c.770T>C), located in coding exon 8 of the AKT1 gene, results from a T to C substitution at nucleotide position 770. The isoleucine at codon 257 is replaced by threonine, an amino acid with similar properties. This amino acid position is conserved. In addition, this alteration is predicted to be deleterious by in silico analysis. Since supporting evidence is limited at this time, the clinical significance of this alteration remains unclear.

Labcorp Genetics (formerly Invitae), Labcorp
Classification: Uncertain significance for Cowden syndrome 6. Last evaluated: 2023-02-11. Review status: criteria provided, single submitter. Criteria: Invitae Variant Classification Sherloc (09022015). Collection method: clinical testing. Allele origin: germline.
Comment: This variant has not been reported in the literature in individuals affected with AKT1-related conditions. ClinVar contains an entry for this variant (Variation ID: 473862). Algorithms developed to predict the effect of missense changes on protein structure and function (SIFT, PolyPhen-2, Align-GVGD) all suggest that this variant is likely to be disruptive. In summary, the available evidence is currently insufficient to determine the role of this variant in disease. Therefore, it has been classified as a Variant of Uncertain Significance. This variant is not present in population databases (gnomAD no frequency). This sequence change replaces isoleucine, which is neutral and non-polar, with threonine, which is neutral and polar, at codon 257 of the AKT1 protein (p.Ile257Thr).

NM_001382430.1(AKT1):c.770T>C (p.Ile257Thr)

Gene: AKT1 (AKT serine/threonine kinase 1; minus strand). Cytogenetic location: 14q32.33.
Variant type: single nucleotide variant.
Coding change: c.770T>C on transcript NM_001382430.1 (MANE Select); coding-DNA position 770, T replaced by C.
Protein change: p.Ile257Thr; replaces isoleucine 257 with threonine.
Molecular consequence: missense variant.
Genome position (GRCh38, 1-based): chr14:104,773,513, A>G on the plus strand (T>C on the coding strand, the complement: AKT1 is on the minus strand). VCF-style: chr14-104773513-A-G. GRCh37 (hg19) VCF-style: chr14-105239850-A-G.
Other names: c.770T>C, p.Ile257Thr (NM_001014431.2, NM_001014432.2, NM_001382431.1 and 3 more transcripts); short protein forms I257T.
Identifiers: ClinVar variation 473862 (VCV000473862.11), dbSNP rs1555383511, ClinGen allele CA391218330.
Genomic context (GRCh38, chr14:104,773,513, plus strand): 5'-ACCTTGAGGTCCCGGTACACCACGTTCTTCTCCGAGTGCAGGTAGTCCAGGGCTGACACA[A>G]TCTCAGCGCCATAGAAGCGGGCCCGGTCCTCGGAGAACACACGCTCCCGGGACAGGTGGA-3'
Protein context (NP_001369359.1, residues 247-267): EDRARFYGAE[Ile257Thr]VSALDYLHSE